The following is an entry in ClinVar:

ClinVar aggregate classification (germline): Uncertain significance (1 of 4 stars; one submission).

Conditions:
Glycogen storage disease due to muscle and heart glycogen synthase deficiency. Also called: GSD 0b; MUSCLE GLYCOGEN SYNTHASE DEFICIENCY. Identifiers: Orphanet 137625, MedGen C1969054, MONDO:0012693, OMIM 611556.

Submission:

Labcorp Genetics (formerly Invitae), Labcorp
Classification: Uncertain significance for Glycogen storage disease due to muscle and heart glycogen synthase deficiency. Last evaluated: 2024-09-19. Review status: criteria provided, single submitter. Criteria: Invitae Variant Classification Sherloc (09022015). Collection method: clinical testing. Allele origin: germline.
Comment: This variant, c.661_663del, results in the deletion of 1 amino acid(s) of the GYS1 protein (p.Tyr221del), but otherwise preserves the integrity of the reading frame. This variant is not present in population databases (gnomAD no frequency). This variant has not been reported in the literature in individuals affected with GYS1-related conditions. Experimental studies and prediction algorithms are not available or were not evaluated, and the functional significance of this variant is currently unknown. In summary, the available evidence is currently insufficient to determine the role of this variant in disease. Therefore, it has been classified as a Variant of Uncertain Significance.

NM_002103.5(GYS1):c.661_663del (p.Tyr221del)

Gene: GYS1 (glycogen synthase 1; minus strand). Cytogenetic location: 19q13.33.
Variant type: Deletion.
Coding change: c.661_663del on transcript NM_002103.5 (MANE Select); coding-DNA positions 661 to 663, 3 bases deleted (TAC; older notation c.661_663delTAC).
Protein change: p.Tyr221del; deletes tyrosine 221.
Molecular consequence: non-coding transcript variant (on NR_027763.2).
Genome position (GRCh38, 1-based): chr19:48,985,865-48,985,867, GTA deleted on the plus strand (TAC on the coding strand, the reverse complement: GYS1 is on the minus strand); deleting any 3 consecutive bases within chr19:48,985,865-48,985,868 gives the same sequence; the c. name uses the placement nearest the transcript's 3' end. VCF-style (leftmost placement, unchanged base first): chr19-48985864-TGTA-T. GRCh37 (hg19) VCF-style: chr19-49489121-TGTA-T.
Other names: c.469_471del, p.Tyr157del (NM_001161587.2); short protein forms Y157del, Y221del.
Identifiers: ClinVar variation 3632614 (VCV003632614.2).